The following is an entry in ClinVar:

NC_000007.13:g.(?_120428646)_(120446746_?)del

Gene: TSPAN12 (tetraspanin 12; minus strand). Cytogenetic location: 7q31.31.
Variant type: Deletion.
Identifiers: ClinVar variation 1071716 (VCV001071716.1).

ClinVar aggregate classification (germline): Pathogenic (1 of 4 stars; one submission).

Submission:

Labcorp Genetics (formerly Invitae), Labcorp
Classification: Pathogenic. Last evaluated: 2020-06-13. Review status: criteria provided, single submitter. Criteria: Invitae Variant Classification Sherloc (09022015). Collection method: clinical testing. Allele origin: germline.
Comment: This variant is a gross deletion of the genomic region encompassing exon(s) 7-8 of the TSPAN12 gene. The 5' boundary is likely confined to intron 6. The 3' end of this event is unknown as it extends through the termination codon beyond the assayed region for this gene and may encompass additional genes. While this deletion is not anticipated to result in nonsense mediated decay, it is expected to create a truncated protein product or disrupt mRNA translation. This variant has not been reported in the literature in individuals with TSPAN12-related conditions. The region of the TSPAN12 gene that includes exon(s) 8 has been determined to be clinically significant (PMID: 28867931). Therefore, deletions that encompass that region are likely to disrupt protein function and cause disease. For these reasons, this variant has been classified as Pathogenic.

Literature cited by the submitters: PubMed 28867931.